The following is an entry in ClinVar:

NM_000152.5(GAA):c.1820G>T (p.Gly607Val)

Gene: GAA (alpha glucosidase; plus strand). Cytogenetic location: 17q25.3.
Variant type: single nucleotide variant.
Coding change: c.1820G>T on transcript NM_000152.5 (MANE Select); coding-DNA position 1820, G replaced by T.
Protein change: p.Gly607Val; replaces glycine 607 with valine.
Molecular consequence: missense variant.
Genome position (GRCh38, 1-based): chr17:80,112,643, G>T. VCF-style: chr17-80112643-G-T. GRCh37 (hg19) VCF-style: chr17-78086442-G-T.
Other names: c.1820G>T, p.Gly607Val (NM_001079803.3, NM_001079804.3, NM_001406741.1 and 1 more transcripts); short protein forms G607V.
Identifiers: ClinVar variation 4705006 (VCV004705006.1).

ClinVar aggregate classification (germline): Likely pathogenic (1 of 4 stars; one submission).

Conditions:
Glycogen storage disease, type II (IOPD). Also called: Pompe Disease; GLYCOGENOSIS, GENERALIZED, CARDIAC FORM; GSD II; Glucosidase acid-1,4-alpha deficiency; Glycogen storage disease type 2; Acid maltase deficiency disease. Identifiers: Orphanet 365, MedGen C0017921, MONDO:0009290, OMIM 232300.

Submission:

Labcorp Genetics (formerly Invitae), Labcorp
Classification: Likely pathogenic for Glycogen storage disease, type II. Last evaluated: 2025-12-30. Review status: criteria provided, single submitter. Criteria: Invitae Variant Classification Sherloc (09022015). Collection method: clinical testing. Allele origin: germline.
Comment: This sequence change replaces glycine, which is neutral and non-polar, with valine, which is neutral and non-polar, at codon 607 of the GAA protein (p.Gly607Val). This variant is not present in population databases (gnomAD no frequency). This variant has not been reported in the literature in individuals affected with GAA-related conditions. Invitae Evidence Modeling of protein sequence and biophysical properties (such as structural, functional, and spatial information, amino acid conservation, physicochemical variation, residue mobility, and thermodynamic stability) indicates that this missense variant is expected to disrupt GAA protein function with a positive predictive value of 95%. This variant disrupts the p.Gly607 amino acid residue in GAA. Other variant(s) that disrupt this residue have been determined to be pathogenic (PMID: 14695532, 29889338; internal data). This suggests that this residue is clinically significant, and that variants that disrupt this residue are likely to be disease-causing. In summary, the currently available evidence indicates that the variant is pathogenic, but additional data are needed to prove that conclusively. Therefore, this variant has been classified as Likely Pathogenic.

Literature cited by the submitters: PubMed 14695532; PubMed 29889338.